The following is an entry in ClinVar:

ClinVar aggregate classification (germline): Conflicting classifications of pathogenicity. Review status: criteria provided, conflicting classifications (1 of 4 stars). 3 submissions from 3 submitters: Pathogenic (1); Likely pathogenic (1); Uncertain significance (1). Last evaluated 2025-12-02.

Conditions:
Methylmalonic aciduria due to methylmalonyl-CoA mutase deficiency (MAMM). Also called: Methylmalonic aciduria, mut type. Identifiers: Orphanet 27, MedGen C1855114, MONDO:0009612, OMIM 251000.

Allele frequency attached by ClinVar (database versions not stated): gnomAD exomes below 0.00001; gnomAD 0.00001; TOPMed 0.00001.
gnomAD v4.1: 4 of 1,605,714 alleles (0.00025%); highest among the groups gnomAD compares: Admixed American, 0.0017%; no homozygotes.

Submissions (3):

Myriad Genetics, Inc.
Classification: Uncertain significance for Methylmalonic aciduria due to methylmalonyl-CoA mutase deficiency. Last evaluated: 2025-12-02. Review status: criteria provided, single submitter. Criteria: Myriad Autosomal Dominant, Autosomal Recessive and X-Linked Classification Criteria (2023). Collection method: clinical testing. Allele origin: unknown.
Comment: NM_000255.3(MMUT):c.446A>G(D149G) is a missense variant classified as a variant of uncertain significance in the context of methylmalonic acidemia, MMUT-related. D149G has been observed in cases with relevant disease (PMID: 31466887, 31622506, 33413471). Relevant functional assessments of this variant are not available in the literature. D149G has not been observed in referenced population frequency databases. In summary, there is insufficient evidence to classify NM_000255.3(MMUT):c.446A>G(D149G) as pathogenic or benign. Please note: this variant was assessed in the context of healthy population screening.

Labcorp Genetics (formerly Invitae), Labcorp
Classification: Likely pathogenic. Last evaluated: 2022-11-29. Review status: criteria provided, single submitter. Criteria: Invitae Variant Classification Sherloc (09022015). Collection method: clinical testing. Allele origin: germline.
Comment: This sequence change replaces aspartic acid, which is acidic and polar, with glycine, which is neutral and non-polar, at codon 149 of the MUT protein (p.Asp149Gly). In summary, the currently available evidence indicates that the variant is pathogenic, but additional data are needed to prove that conclusively. Therefore, this variant has been classified as Likely Pathogenic. Advanced modeling of protein sequence and biophysical properties (such as structural, functional, and spatial information, amino acid conservation, physicochemical variation, residue mobility, and thermodynamic stability) performed at Invitae indicates that this missense variant is expected to disrupt MUT protein function. This missense change has been observed in individual(s) with methylmalonic aciduria (PMID: 31466887, 31622506, 33413471). This variant is not present in population databases (gnomAD no frequency).

Juno Genomics, Hangzhou Juno Genomics, Inc
Classification: Pathogenic for Methylmalonic aciduria due to methylmalonyl-CoA mutase deficiency. Review status: criteria provided, single submitter. Criteria: ACMG Guidelines, 2015. Collection method: clinical testing. Allele origin: germline.
Comment: Absent from controls (or at extremely low frequency if recessive) in Genome Aggregation Database.;Multiple lines of computational evidence support a deleterious effect on the gene or gene product.;For recessive disorders, detected in trans with a pathogenic variant.;Patient's phenotype or family history is highly specific for a disease with a single genetic etiology.

Literature cited by the submitters: PubMed 31466887 (cited by Myriad Genetics, Inc. and Labcorp Genetics (formerly Invitae), Labcorp); PubMed 31622506 (cited by Myriad Genetics, Inc. and Labcorp Genetics (formerly Invitae), Labcorp); PubMed 33413471 (cited by Myriad Genetics, Inc. and Labcorp Genetics (formerly Invitae), Labcorp).

NM_000255.4(MMUT):c.446A>G (p.Asp149Gly)

Gene: MMUT (methylmalonyl-CoA mutase; minus strand). Cytogenetic location: 6p12.3.
Variant type: single nucleotide variant.
Coding change: c.446A>G on transcript NM_000255.4 (MANE Select); coding-DNA position 446, A replaced by G.
Protein change: p.Asp149Gly; replaces aspartic acid 149 with glycine.
Molecular consequence: missense variant.
Genome position (GRCh38, 1-based): chr6:49,457,998, T>C on the plus strand (A>G on the coding strand, the complement: MMUT is on the minus strand). VCF-style: chr6-49457998-T-C. GRCh37 (hg19) VCF-style: chr6-49425711-T-C.
Other names: short protein forms D149G.
Identifiers: ClinVar variation 2762159 (VCV002762159.5), dbSNP rs1194327802, ClinGen allele CA364404709.